The following is an entry in ClinVar:

NM_001012301.4(ARSI):c.934C>T (p.Arg312Ter)

Gene: ARSI (arylsulfatase family member I; minus strand). Cytogenetic location: 5q32.
Variant type: single nucleotide variant.
Coding change: c.934C>T on transcript NM_001012301.4 (MANE Select); coding-DNA position 934, C replaced by T.
Protein change: p.Arg312Ter; replaces arginine 312 with a stop codon.
Molecular consequence: nonsense.
Genome position (GRCh38, 1-based): chr5:150,297,990, G>A on the plus strand (C>T on the coding strand, the complement: ARSI is on the minus strand). VCF-style: chr5-150297990-G-A. GRCh37 (hg19) VCF-style: chr5-149677553-G-A.
Other names: short protein forms R312*.
Identifiers: ClinVar variation 2145686 (VCV002145686.4), dbSNP rs189890558, ClinGen allele CA3510206.

ClinVar aggregate classification (germline): Uncertain significance (1 of 4 stars; one submission).

Conditions:
Spastic paraplegia. Identifiers: MedGen C0037772, HP:0001258.

Allele frequency attached by ClinVar (database versions not stated): gnomAD 0.00001; gnomAD exomes 0.00001; TOPMed 0.00001; ExAC 0.00002; 1000 Genomes Project 30x 0.00016; 1000 Genomes Project 0.00020.
gnomAD v4.1: 20 of 1,612,522 alleles (0.0012%); highest among the groups gnomAD compares: South Asian, 0.0077%; no homozygotes.

Submission:

Labcorp Genetics (formerly Invitae), Labcorp
Classification: Uncertain significance for Spastic paraplegia. Last evaluated: 2022-06-01. Review status: criteria provided, single submitter. Criteria: Invitae Variant Classification Sherloc (09022015). Collection method: clinical testing. Allele origin: germline.
Comment: This sequence change creates a premature translational stop signal (p.Arg312*) in the ARSI gene. While this is not anticipated to result in nonsense mediated decay, it is expected to disrupt the last 258 amino acid(s) of the ARSI protein. This variant is present in population databases (rs189890558, gnomAD 0.01%). This variant has not been reported in the literature in individuals affected with ARSI-related conditions. Experimental studies and prediction algorithms are not available or were not evaluated, and the functional significance of this variant is currently unknown. In summary, the available evidence is currently insufficient to determine the role of this variant in disease. Therefore, it has been classified as a Variant of Uncertain Significance.